The following is an entry in ClinVar:

NM_000535.7(PMS2):c.2470A>G (p.Thr824Ala)

Gene: PMS2 (PMS1 homolog 2, mismatch repair system component; minus strand). Cytogenetic location: 7p22.1.
Variant type: single nucleotide variant.
Coding change: c.2470A>G on transcript NM_000535.7 (MANE Select); coding-DNA position 2470, A replaced by G.
Protein change: p.Thr824Ala; replaces threonine 824 with alanine.
Molecular consequence: missense variant. On other transcripts: non-coding transcript variant (1).
Genome position (GRCh38, 1-based): chr7:5,973,518, T>C on the plus strand (A>G on the coding strand, the complement: PMS2 is on the minus strand). VCF-style: chr7-5973518-T-C. GRCh37 (hg19) VCF-style: chr7-6013149-T-C.
Other names: c.2065A>G, p.Thr689Ala (NM_001322003.2, NM_001322004.2, NM_001322005.2); c.2314A>G, p.Thr772Ala (NM_001322006.2); c.2152A>G, p.Thr718Ala (NM_001322007.2, NM_001322008.2); c.2098A>G, p.Thr700Ala (NM_001322009.2); c.1909A>G, p.Thr637Ala (NM_001322010.2); c.1537A>G, p.Thr513Ala (NM_001322011.2, NM_001322012.2); c.1897A>G, p.Thr633Ala (NM_001322013.2); c.2503A>G, p.Thr835Ala (NM_001322014.2); and 1 more; short protein forms T637A, T772A, T835A, T718A, T721A, T700A, T513A, T633A.
Identifiers: ClinVar variation 821244 (VCV000821244.20), dbSNP rs1583270215, ClinGen allele CA366734995.

ClinVar aggregate classification (germline): Conflicting classifications of pathogenicity. Review status: criteria provided, conflicting classifications (1 of 4 stars). 3 submissions from 3 submitters: Uncertain significance (2); Likely benign (1). Last evaluated 2026-08-13.

Conditions:
Hereditary nonpolyposis colorectal neoplasms. Identifiers: MedGen C0009405, MeSH D003123.
Hereditary cancer-predisposing syndrome. Also called: Tumor predisposition; Hereditary Cancer Syndrome; Neoplastic Syndromes, Hereditary; Hereditary neoplastic syndrome. Identifiers: Orphanet 140162, MedGen C0027672, MeSH D009386, MONDO:0015356.

Submissions (3):

Ambry Genetics
Classification: Likely benign for Hereditary cancer-predisposing syndrome. Last evaluated: 2026-08-13. Review status: criteria provided, single submitter. Criteria: Ambry Variant Classification Scheme 2023. Collection method: clinical testing. Allele origin: germline.

Labcorp Genetics (formerly Invitae), Labcorp
Classification: Uncertain significance for Hereditary nonpolyposis colorectal neoplasms. Last evaluated: 2025-12-19. Review status: criteria provided, single submitter. Criteria: Invitae Variant Classification Sherloc (09022015). Collection method: clinical testing. Allele origin: germline.
Comment: This sequence change replaces threonine, which is neutral and polar, with alanine, which is neutral and non-polar, at codon 824 of the PMS2 protein (p.Thr824Ala). The frequency data for this variant in the population databases (gnomAD) is considered unreliable due to the presence of homologous sequence, such as pseudogenes or paralogs, in the genome. This variant has not been reported in the literature in individuals affected with PMS2-related conditions. ClinVar contains an entry for this variant (Variation ID: 821244). Invitae Evidence Modeling incorporating data from in vitro experimental studies (internal data) indicates that this missense variant is not expected to disrupt PMS2 function with a negative predictive value of 95%. In summary, the available evidence is currently insufficient to determine the role of this variant in disease. Therefore, it has been classified as a Variant of Uncertain Significance.

GeneDx
Classification: Uncertain significance. Last evaluated: 2025-09-16. Review status: criteria provided, single submitter. Criteria: GeneDx Variant Classification Process June 2021. Collection method: clinical testing. Allele origin: germline. Affected: yes.
Comment: Not observed at significant frequency in large population cohorts (gnomAD); In silico analysis suggests that this missense variant does not alter protein structure/function; Observed in individuals undergoing whole exome sequencing (PMID: 30122538); This variant is associated with the following publications: (PMID: 28767177, 30122538, Fukui2011[Chapter])